The following is an entry in ClinVar:

NM_000719.7(CACNA1C):c.3912+1G>A

Gene: CACNA1C (calcium voltage-gated channel subunit alpha1 C; plus strand). Cytogenetic location: 12p13.33.
Variant type: single nucleotide variant.
Coding change: c.3912+1G>A on transcript NM_000719.7 (MANE Select); the canonical splice donor site of the intron after coding-DNA position 3912, G replaced by A.
Molecular consequence: splice donor variant. On other transcripts: intron variant (7).
Genome position (GRCh38, 1-based): chr12:2,634,381, G>A. VCF-style: chr12-2634381-G-A. GRCh37 (hg19) VCF-style: chr12-2743547-G-A.
Other names: c.3912+669G>A (NM_001167624.3, NM_001167623.2, NM_001129833.2 and 2 more transcripts); c.3912+1G>A (NM_001167625.2, NM_001129840.2, NM_001129829.2 and 7 more transcripts); c.4056+1G>A (NM_199460.4, NM_001129827.2); c.3972+1G>A (NM_001129832.2); c.3996+1G>A (NM_001129831.2, NM_001129836.2); c.3906+7G>A (NM_001129839.2); c.3903+669G>A (NM_001129844.2).
Identifiers: ClinVar variation 1334322 (VCV001334322.7), dbSNP rs1247088024, ClinGen allele CA383380314.

ClinVar aggregate classification (germline): Conflicting classifications of pathogenicity. Review status: criteria provided, conflicting classifications (1 of 4 stars). 3 submissions from 3 submitters: Pathogenic (1); Likely pathogenic (1); Uncertain significance (1). Last evaluated 2025-11-12.

Conditions:
Long QT syndrome (LQTS). Identifiers: MedGen C0023976, MeSH D008133, MONDO:0002442. Disease mechanism: loss of function. Inheritance: Various modes of inheritance.

Submissions (3):

Labcorp Genetics (formerly Invitae), Labcorp
Classification: Uncertain significance for Long QT syndrome. Last evaluated: 2025-11-12. Review status: criteria provided, single submitter. Criteria: Invitae Variant Classification Sherloc (09022015). Collection method: clinical testing. Allele origin: germline.
Comment: This sequence change affects a donor splice site in intron 30 of the CACNA1C gene. It is expected to disrupt RNA splicing. Variants that disrupt the donor or acceptor splice site typically lead to a loss of protein function (PMID: 16199547), however the current clinical and genetic evidence is not sufficient to establish whether loss-of-function variants in CACNA1C cause disease. This variant is not present in population databases (gnomAD no frequency). This variant has not been reported in the literature in individuals affected with CACNA1C-related conditions. ClinVar contains an entry for this variant (Variation ID: 1334322). Algorithms developed to predict the effect of sequence changes on RNA splicing suggest that this variant may disrupt the consensus splice site. In summary, the available evidence is currently insufficient to determine the role of this variant in disease. Therefore, it has been classified as a Variant of Uncertain Significance.

Revvity Omics, Revvity
Classification: Likely pathogenic. Last evaluated: 2025-04-23. Review status: criteria provided, single submitter. Criteria: ACMG Guidelines, 2015. Collection method: clinical testing. Allele origin: germline.

GeneDx
Classification: Pathogenic. Last evaluated: 2023-10-07. Review status: criteria provided, single submitter. Criteria: GeneDx Variant Classification Process June 2021. Collection method: clinical testing. Allele origin: germline. Affected: yes.
Comment: Has not been previously published as pathogenic or benign to our knowledge; Canonical splice site variant predicted to result in an in-frame loss of the adjacent exon in a gene for which loss of function is a known mechanism of disease; Not observed at significant frequency in large population cohorts (gnomAD)

Literature cited by the submitters: PubMed 16199547 (cited by Labcorp Genetics (formerly Invitae), Labcorp).